The following is an entry in ClinVar:

NM_016373.4:c.410-13782_516+59745del

Gene: WWOX (WW domain containing oxidoreductase; plus strand).
Variant type: Deletion.
Other names: c.410-13782_516+59745del (NM_016373.4).
Identifiers: ClinVar variation 4279013 (VCV004279013.1).

ClinVar aggregate classification (germline): Pathogenic (1 of 4 stars; one submission).

Conditions:
Developmental and epileptic encephalopathy, 28 (DEE28). Also called: Epileptic encephalopathy, early infantile, 28. Identifiers: Orphanet 442835, MedGen C4015519, MONDO:0014533, OMIM 616211.

Submission:

Institute of Human Genetics, University of Leipzig Medical Center
Classification: Pathogenic for Developmental and epileptic encephalopathy, 28. Last evaluated: 2024-10-30. Review status: criteria provided, single submitter. Criteria: ACMG Guidelines, 2015. Collection method: clinical testing. Allele origin: paternal. Inheritance: Autosomal recessive inheritance. Affected: yes.
Comment: Criteria applied: PVS1, PM2, PM3